The following is an entry in ClinVar:

ClinVar aggregate classification (germline): Uncertain significance (1 of 4 stars; one submission).

Allele frequency attached by ClinVar (database versions not stated): gnomAD 0.00001; gnomAD exomes 0.00001; ExAC 0.00002; TOPMed 0.00002.
gnomAD v4.1: 6 of 1,613,970 alleles (0.00037%); highest among the groups gnomAD compares: East Asian, 0.013%; no homozygotes.

Submission:

Ambry Genetics
Classification: Uncertain significance. Last evaluated: 2025-04-30. Review status: criteria provided, single submitter. Criteria: Ambry Variant Classification Scheme 2023. Collection method: clinical testing. Allele origin: germline.
Comment: Does not currently meet published gene-disease clinical validity criteria Based on insufficient or conflicting evidence, the clinical significance of this alteration remains unclear.

Literature cited by the submitters: PubMed 28106320.

NM_182643.3(DLC1):c.236G>A (p.Gly79Asp)

Gene: DLC1 (DLC1 Rho GTPase activating protein; minus strand). Cytogenetic location: 8p22.
Variant type: single nucleotide variant.
Coding change: c.236G>A on transcript NM_182643.3 (MANE Select); coding-DNA position 236, G replaced by A.
Protein change: p.Gly79Asp; replaces glycine 79 with aspartic acid.
Molecular consequence: missense variant. On other transcripts: 5 prime UTR variant (1).
Genome position (GRCh38, 1-based): chr8:13,499,836, C>T on the plus strand (G>A on the coding strand, the complement: DLC1 is on the minus strand). VCF-style: chr8-13499836-C-T. GRCh37 (hg19) VCF-style: chr8-13357345-C-T.
Other names: c.236G>A, p.Gly79Asp (NM_001348081.2, NM_001413124.1, NM_001413125.1 and 1 more transcripts); c.-1216G>A (NM_001348082.2); short protein forms G79D.
Identifiers: ClinVar variation 2490934 (VCV002490934.3), dbSNP rs748895226, ClinGen allele CA4639548.
Genomic context (GRCh38, chr8:13,499,836, plus strand): 5'-GAAAGAAACTGATCTTCACCTTCATGGCTGTCATTTTCGTCCACATCCTTTGAAAGATGA[C>T]CCATTGGCCTCCCAGGAAAATCTCTCAGCTCTGATCCATGACAGCAGTCAGGTAGTGAAA-3'
Protein context (NP_872584.2, residues 69-89): ELRDFPGRPM[Gly79Asp]HLSKDVDEND